The following is an entry in ClinVar:

NM_000023.4(SGCA):c.293G>A (p.Arg98His)

Gene: SGCA (sarcoglycan alpha; plus strand). Cytogenetic location: 17q21.33.
Variant type: single nucleotide variant.
Coding change: c.293G>A on transcript NM_000023.4 (MANE Select); coding-DNA position 293, G replaced by A.
Protein change: p.Arg98His; replaces arginine 98 with histidine.
Molecular consequence: missense variant. On other transcripts: non-coding transcript variant (1).
Genome position (GRCh38, 1-based): chr17:50,167,717, G>A. VCF-style: chr17-50167717-G-A. GRCh37 (hg19) VCF-style: chr17-48245078-G-A.
Other names: NM_000023.4(SGCA):c.293G>A; c.293G>A, p.Arg98His (NM_001135697.3); c.293G>A (NM_000023.3); short protein forms R98H.
Identifiers: ClinVar variation 9435 (VCV000009435.30), dbSNP rs137852621, ClinGen allele CA120423.
Genomic context (GRCh38, chr17:50,167,717, plus strand): 5'-ACACCCAGCGCAGCCCCCACCACCCTGGCTTCCTCTACGGCTCTGCCACCCCAGAAGATC[G>A]TGGGCTCCAGGTCATTGAGGTGCCGTCAGGGACCCTGAGAAAATCACAGGGGTGGGCCAG-3'
Protein context (NP_000014.1, residues 88-108): FLYGSATPED[Arg98His]GLQVIEVTAY

ClinVar aggregate classification (germline): Pathogenic. Review status: reviewed by expert panel (3 of 4 stars). 13 submissions from 13 submitters: Pathogenic (1). 12 of the submissions do not count toward it. Last evaluated 2026-04-29.

Conditions:
SGCA-related disorder. Also called: SGCA-related condition.
Autosomal recessive limb-girdle muscular dystrophy. Identifiers: Orphanet 102015, MedGen C2931907, MONDO:0015152.
Autosomal recessive limb-girdle muscular dystrophy type 2D (LGMDR3). Also called: ADHALINOPATHY, PRIMARY; MUSCULAR DYSTROPHY, LIMB-GIRDLE, AUTOSOMAL RECESSIVE 3; DUCHENNE-LIKE AUTOSOMAL RECESSIVE MUSCULAR DYSTROPHY, TYPE 2. Identifiers: Orphanet 62, MedGen C2936332, MONDO:0011968, OMIM 608099. Disease mechanism: Affects gamma-sarcoglycan and also disrupts the integrity of the entire sarcoglycan complex..

Allele frequency attached by ClinVar (database versions not stated): ExAC 0.00001; gnomAD 0.00003; gnomAD exomes 0.00002.
gnomAD v4.1: 36 of 1,611,678 alleles (0.0022%); highest among the groups gnomAD compares: Admixed American, 0.005%; no homozygotes.

Submissions 1 to 8 of 13:

ClinGen Limb Girdle Muscular Dystrophy Variant Curation Expert Panel, ClinGen
Classification: Pathogenic for Autosomal recessive limb-girdle muscular dystrophy. Last evaluated: 2026-04-29. Review status: reviewed by expert panel. Criteria: ClinGen LGMD VCEP ACMG Specifications SGCA V2.0.0. Collection method: curation. Allele origin: germline. Inheritance: Autosomal recessive inheritance.
Comment: The NM_000023.4: c.293G>A variant in SGCA is a missense variant predicted to cause substitution of arginine by histidine at amino acid 98, p.(Arg98His). This variant has been detected in at least six individuals with limb-girdle muscular dystrophy (PMID: 32528171, 30564623, 29382405, 12746421, 36575883; Newcastle University internal data communication). Of those individuals, three were presumed compound heterozygous (phase unconfirmed) for the variant and a pathogenic variant (c.229C>T p.(Arg77Cys), 0.5 pts, Newcastle University internal data communication; c.307A>G p.(Ile103Val), 0.5 pts, PMID: 30564623, LOVD Individual #00219726; c.850C>T p.(Arg284Cys), 0.5 pts, 29382405). Three unrelated patients were homozygous for the variant without reported consanguinity (1.0 pts, PMID: 32528171, 36575883) (PM3_Strong). At least one patient with this variant and another presumed diagnostic SGCA variant displayed progressive limb girdle muscle weakness and significantly reduced alpha-sarcoglycan protein expression, which is highly specific for SGCA-related LGMD (PP4_Strong; PMID: 29382405). The upper bound of the 95% confidence interval of the Grpmax variant allele frequency in gnomAD v4.1.1 is 0.000037447 (33/1178322 European (non-Finnish) alleles), which is lower than the LGMD VCEP threshold (<0.00009) for PM2_Supporting, and therefore meets this criterion. The variant was tested in SGCA-null mice by transduction with h-Alpha-SG-R98H in one hind-limb. The humanized limb presented signs of dystrophy in skeletal muscle and extreme reduction of alpha-sarcoglycan via immunohistochemistry and western blot (PS3_Moderate; PMID: 34505136). The computational predictor REVEL gives a score of 0.596, which is below the threshold of 0.7 (PP3 not met). In summary, this variant meets the criteria to be classified as Pathogenic for autosomal recessive limb girdle muscular dystrophy based on the ACMG/AMP criteria applied, as specified by the ClinGen LGMD VCEP (LGMD VCEP specifications version 2.0.0; 04/29/2026): PM3_Strong, PP4_Strong, PS3_Moderate, PM2_Supporting.

Natera, Inc.
Classification: Pathogenic for Limb-girdle muscular dystrophy type 2D. Last evaluated: 2025-12-31. Review status: criteria provided, single submitter. Criteria: Natera Variant Classification Schema (03/2026). Collection method: clinical testing. Allele origin: germline. Not counted in ClinVar's aggregate classification.
Comment: The c.293G>A variant in SGCA is a missense variant predicted to cause substitution of arginine to histidine at amino acid 98. This variant is rare in the general population with a frequency below the threshold expected for the associated phenotype(s). This variant has been observed in one or more individuals affected with the associated recessive disease, as either homozygous or compound heterozygous with a second variant (PMID: 7668821, 29382405, 31791368, 12746421). Functional studies show that this variant may disrupt protein function (PMID: 34505136). A different variant at the same position has been determined to be Pathogenic or Likely Pathogenic. Computational prediction algorithms indicate this variant is likely to affect gene or protein function. Given the available evidence, this variant is classified as Pathogenic.

Variantyx, Inc.
Classification: Pathogenic for Autosomal recessive limb-girdle muscular dystrophy type 2D. Last evaluated: 2025-07-28. Review status: criteria provided, single submitter. Criteria: Variantyx Assertion Criteria 2022. Collection method: clinical testing. Allele origin: germline. Inheritance: Autosomal recessive inheritance. Affected: no. Not counted in ClinVar's aggregate classification.
Comment: This is a nonsynonymous variant in the SGCA gene (OMIM: 600119). Pathogenic variants in this gene have been associated with autosomal recessive limb-girdle muscular dystrophy 3. This variant has been identified in the homozygous or compound heterozygous state in multiple individuals reported in the published literature (PMID: 37524782, 7668821, 12746421, 27120200, 8069911)(PM3). Computational algorithms produce conflicting evidence regarding the predicted functional impact of this variant (REVEL score: 0.596), but functional studies have shown that this variant alters SGCA protein function (PMID: 34505136, 22095924) (PS3). Moreover, an alternate amino acid change at this position (p.Arg98Cys) has been previously reported in similarly affected individuals, which suggests that this residue is biologically important (PMID: 7668821) (PM5). This variant has a 0.0050% maximum allele frequency in non-founder control populations (PM2). Based on the current evidence, this variant is classified as pathogenic for autosomal recessive limb-girdle muscular dystrophy 3.No other variant of clinical significance was identified in the SGCA gene.

Labcorp Genetics (formerly Invitae), Labcorp
Classification: Pathogenic for Autosomal recessive limb-girdle muscular dystrophy type 2D. Last evaluated: 2025-05-04. Review status: criteria provided, single submitter. Criteria: Invitae Variant Classification Sherloc (09022015). Collection method: clinical testing. Allele origin: germline. Not counted in ClinVar's aggregate classification.
Comment: This sequence change replaces arginine, which is basic and polar, with histidine, which is basic and polar, at codon 98 of the SGCA protein (p.Arg98His). This variant is present in population databases (rs137852621, gnomAD 0.004%). This missense change has been observed in individuals with limb-girdle muscular dystrophy (PMID: 7668821, 8069911, 9192266, 12746421, 22095924, 27120200). It has also been observed to segregate with disease in related individuals. ClinVar contains an entry for this variant (Variation ID: 9435). Invitae Evidence Modeling of protein sequence and biophysical properties (such as structural, functional, and spatial information, amino acid conservation, physicochemical variation, residue mobility, and thermodynamic stability) indicates that this missense variant is expected to disrupt SGCA protein function with a positive predictive value of 95%. Experimental studies have shown that this missense change affects SGCA function (PMID: 18535179, 22095924). For these reasons, this variant has been classified as Pathogenic.

Blueprint Genetics
Classification: Pathogenic for SGCA-related disorders. Last evaluated: 2024-08-19. Review status: criteria provided, single submitter. Criteria: ACMG Guidelines, 2015. Collection method: clinical testing. Allele origin: germline. Affected: yes. Observed: 5 variant alleles. Not counted in ClinVar's aggregate classification.

Fulgent Genetics
Classification: Pathogenic for Autosomal recessive limb-girdle muscular dystrophy type 2D. Last evaluated: 2024-03-13. Review status: criteria provided, single submitter. Criteria: ACMG Guidelines, 2015. Collection method: clinical testing. Allele origin: germline. Not counted in ClinVar's aggregate classification.

Neuberg Centre For Genomic Medicine, NCGM
Classification: Pathogenic for Autosomal recessive limb-girdle muscular dystrophy type 2D. Last evaluated: 2023-03-01. Review status: criteria provided, single submitter. Criteria: ACMG Guidelines, 2015. Collection method: clinical testing. Allele origin: germline. Inheritance: Autosomal recessive inheritance. Affected: yes. Not counted in ClinVar's aggregate classification.
Comment: The missense c.293G>A (p.Arg98His) variant in SGCA gene has been reported in homozygous and compound heterozygous states in multiple individuals affected with muscular dystrophy (Fayssoil et al., 2016; Ljunggren et al., 1995). Experimental studies have shown that this missense change affects SGCA function (Gastaldello et al., 2008). This variant is reported with allele frequency of 0.002% in gnomAD Exomes and is novel (not in any individuals) in 1000 Genomes. This variant has been reported to the ClinVar database as Likely Pathogenic / Pathogenic (multiple submissions). The amino acid change p.Arg98His in SGCA is predicted as conserved by GERP++ and PhyloP across 100 vertebrates. The amino acid Arg at position 98 is changed to a His changing protein sequence and it might alter its composition and physico-chemical properties. For these reasons, this variant has been classified as Pathogenic. In absence of another reportable variant in SGCA gene, the molecular diagnosis is not confirmed.

Genome-Nilou Lab
Classification: Likely pathogenic for Autosomal recessive limb-girdle muscular dystrophy type 2D. Last evaluated: 2023-02-08. Review status: criteria provided, single submitter. Criteria: ACMG Guidelines, 2015. Collection method: clinical testing. Allele origin: germline. Not counted in ClinVar's aggregate classification.